The following is an entry in ClinVar:

NM_001099922.3(ALG13):c.598A>G (p.Thr200Ala)

Gene: ALG13 (ALG13 UDP-N-acetylglucosaminyltransferase subunit; plus strand). Cytogenetic location: Xq23.
Variant type: single nucleotide variant.
Coding change: c.598A>G on transcript NM_001099922.3 (MANE Select); coding-DNA position 598, A replaced by G.
Protein change: p.Thr200Ala; replaces threonine 200 with alanine.
Molecular consequence: missense variant. On other transcripts: non-coding transcript variant (1).
Genome position (GRCh38, 1-based): chrX:111,708,241, A>G. VCF-style: chrX-111708241-A-G. GRCh37 (hg19) VCF-style: chrX-110951469-A-G.
Other names: c.286A>G, p.Thr96Ala (NM_001257230.2, NM_001257234.2, NM_001257237.2 and 1 more transcripts); c.364A>G, p.Thr122Ala (NM_001257231.2); c.598A>G, p.Thr200Ala (NM_001324292.2); short protein forms T200A, T96A, T122A.
Identifiers: ClinVar variation 2193261 (VCV002193261.4), dbSNP rs945628488, ClinGen allele CA334443161.

ClinVar aggregate classification (germline): Uncertain significance (1 of 4 stars; one submission).

Conditions:
Developmental and epileptic encephalopathy, 36 (DEE36). Also called: Epileptic encephalopathy, early infantile, 36; ALG13-CDG; Congenital disorder of glycosylation, type Is. Identifiers: Orphanet 324422, MedGen C4317295, MONDO:0010472, OMIM 300884.

Allele frequency attached by ClinVar (database versions not stated): TOPMed 0.00001; gnomAD exomes 0.00002.
gnomAD v4.1: 25 of 1,210,278 alleles (0.0021%); highest among the groups gnomAD compares: Non-Finnish European, 0.0027%; no homozygotes.

Submission:

Labcorp Genetics (formerly Invitae), Labcorp
Classification: Uncertain significance for Developmental and epileptic encephalopathy, 36. Last evaluated: 2024-06-15. Review status: criteria provided, single submitter. Criteria: Invitae Variant Classification Sherloc (09022015). Collection method: clinical testing. Allele origin: germline.
Comment: This sequence change replaces threonine, which is neutral and polar, with alanine, which is neutral and non-polar, at codon 200 of the ALG13 protein (p.Thr200Ala). This variant is not present in population databases (gnomAD no frequency). This variant has not been reported in the literature in individuals affected with ALG13-related conditions. ClinVar contains an entry for this variant (Variation ID: 2193261). Algorithms developed to predict the effect of missense changes on protein structure and function output the following: SIFT: "Not Available"; PolyPhen-2: "Benign"; Align-GVGD: "Not Available". The alanine amino acid residue is found in multiple mammalian species, which suggests that this missense change does not adversely affect protein function. In summary, the available evidence is currently insufficient to determine the role of this variant in disease. Therefore, it has been classified as a Variant of Uncertain Significance.